The following is an entry in ClinVar:

ClinVar aggregate classification (germline): Uncertain significance (1 of 4 stars; one submission).

Conditions:
Congenital myotonia, autosomal recessive form. Also called: BECKER DISEASE; Becker Generalized Myotonia; myotonia congenita, autosomal recessive. Identifiers: Orphanet 614, MedGen C0751360, MONDO:0009715, OMIM 255700.

Submission:

3billion
Classification: Uncertain significance for Congenital myotonia, autosomal recessive form. Last evaluated: 2026-01-05. Review status: criteria provided, single submitter. Criteria: ACMG Guidelines, 2015. Collection method: clinical testing. Allele origin: germline. Affected: yes.
Comment: The variant is not observed in the gnomAD v4.1.0 dataset. Predicted Consequence/Location: Intron variant In silico tools predict the variant to alter splicing and produce an abnormal transcript [SpliceAI: 0.80 (>=0.2, moderate evidence for spliceogenicity)]. Therefore, this variant is classified as VUS according to the recommendation of ACMG/AMP guideline.

NM_000083.3(CLCN1):c.1251+23T>A

Gene: CLCN1 (chloride voltage-gated channel 1; plus strand). Cytogenetic location: 7q34.
Variant type: single nucleotide variant.
Coding change: c.1251+23T>A on transcript NM_000083.3 (MANE Select); 23 bases into the intron after coding-DNA position 1251, T replaced by A.
Molecular consequence: intron variant.
Genome position (GRCh38, 1-based): chr7:143,332,526, T>A. VCF-style: chr7-143332526-T-A. GRCh37 (hg19) VCF-style: chr7-143029619-T-A.
Identifiers: ClinVar variation 4854612 (VCV004854612.1).